The following is an entry in ClinVar:

NM_006060.6(IKZF1):c.1272C>A (p.Asn424Lys)

Gene: IKZF1 (IKAROS family zinc finger 1; plus strand). Cytogenetic location: 7p12.2.
Variant type: single nucleotide variant.
Coding change: c.1272C>A on transcript NM_006060.6 (MANE Select); coding-DNA position 1272, C replaced by A.
Protein change: p.Asn424Lys; replaces asparagine 424 with lysine.
Molecular consequence: missense variant.
Genome position (GRCh38, 1-based): chr7:50,400,339, C>A. VCF-style: chr7-50400339-C-A. GRCh37 (hg19) VCF-style: chr7-50468037-C-A.
Other names: c.1146C>A, p.Asn382Lys (NM_001220765.3, NM_001291837.2); c.981C>A, p.Asn327Lys (NM_001220767.2); c.1011C>A, p.Asn337Lys (NM_001220768.2, NM_001291838.2); c.855C>A, p.Asn285Lys (NM_001220770.2); c.843C>A, p.Asn281Lys (NM_001220771.2, NM_001291841.1); c.885C>A, p.Asn295Lys (NM_001291839.2); c.582C>A, p.Asn194Lys (NM_001291840.1); c.813C>A, p.Asn271Lys (NM_001291842.1); and 3 more; short protein forms N281K, N285K, N295K, N337K, N382K, N194K, N229K, N239K.
Identifiers: ClinVar variation 2829988 (VCV002829988.3), dbSNP rs2153519023, ClinGen allele CA367524802.

ClinVar aggregate classification (germline): Uncertain significance (1 of 4 stars; one submission).

Submission:

Labcorp Genetics (formerly Invitae), Labcorp
Classification: Uncertain significance. Last evaluated: 2023-05-23. Review status: criteria provided, single submitter. Criteria: Invitae Variant Classification Sherloc (09022015). Collection method: clinical testing. Allele origin: germline.
Comment: This sequence change replaces asparagine, which is neutral and polar, with lysine, which is basic and polar, at codon 424 of the IKZF1 protein (p.Asn424Lys). In summary, the available evidence is currently insufficient to determine the role of this variant in disease. Therefore, it has been classified as a Variant of Uncertain Significance. An algorithm developed to predict the effect of missense changes on protein structure and function (PolyPhen-2) suggests that this variant is likely to be disruptive. This variant has not been reported in the literature in individuals affected with IKZF1-related conditions. This variant is not present in population databases (gnomAD no frequency).